The following is an entry in ClinVar:

NM_000152.5(GAA):c.1930G>C (p.Ala644Pro)

Gene: GAA (alpha glucosidase; plus strand). Cytogenetic location: 17q25.3.
Variant type: single nucleotide variant.
Coding change: c.1930G>C on transcript NM_000152.5 (MANE Select); coding-DNA position 1930, G replaced by C.
Protein change: p.Ala644Pro; replaces alanine 644 with proline.
Molecular consequence: missense variant.
Genome position (GRCh38, 1-based): chr17:80,112,917, G>C. VCF-style: chr17-80112917-G-C. GRCh37 (hg19) VCF-style: chr17-78086716-G-C.
Other names: c.1930G>C, p.Ala644Pro (NM_001079803.3, NM_001079804.3); short protein forms A644P.
Identifiers: ClinVar variation 286475 (VCV000286475.6), dbSNP rs752735168, ClinGen allele CA10605478.

ClinVar aggregate classification (germline): Uncertain significance. Review status: criteria provided, multiple submitters, no conflicts (2 of 4 stars). 2 submissions from 2 submitters: Uncertain significance (2). Last evaluated 2026-07-01.

Conditions:
Glycogen storage disease, type II (IOPD). Also called: CARDIOMEGALIA GLYCOGENICA DIFFUSA; GLYCOGEN STORAGE DISEASE II, INFANTILE-ONSET; POMPE DISEASE, INFANTILE-ONSET; ACID ALPHA-GLUCOSIDASE DEFICIENCY, INFANTILE-ONSET; GAA DEFICIENCY, INFANTILE-ONSET; ACID MALTASE DEFICIENCY, INFANTILE-ONSET. Identifiers: Orphanet 365, MedGen C0017921, MONDO:0009290, OMIM 232300.

Submissions (2):

Genomenon, Inc
Classification: Uncertain significance for Glycogen storage disease, type II. Last evaluated: 2026-07-01. Review status: criteria provided, single submitter. Criteria: Genomenon Sequence Variant Interpretation Standards - Updated. Collection method: curation. Allele origin: germline. Affected: yes.
Comment: GAA p.Ala644Pro (c.1930G>C) is a missense variant that changes the amino acid at codon 644 from Alanine to Proline. This variant has been observed in at least one proband with a GAA-related disorder in the compound heterozygous and/or homozygous state (PMID:17616415). It is absent or not present at a significant frequency in gnomAD. In silico models predict that this variant is possibly or probably damaging. In conclusion, we classify GAA p.Ala644Pro (c.1930G>C) as a variant of uncertain significance.

Eurofins Ntd Llc (ga)
Classification: Uncertain significance. Last evaluated: 2016-02-29. Review status: criteria provided, single submitter. Criteria: EGL Classification Definitions 2015. Collection method: clinical testing. Allele origin: germline. Observed: 1 variant allele, 1 heterozygote.

Literature cited by the submitters: PubMed 17616415 (cited by Genomenon, Inc).